The following is an entry in ClinVar:

ClinVar aggregate classification (germline): Likely benign (1 of 4 stars; one submission).

Allele frequency attached by ClinVar (database versions not stated): ESP Exome Variant Server 0.00009; TOPMed 0.00018; gnomAD 0.00019; gnomAD exomes 0.00026; ExAC 0.00049.
gnomAD v4.1: 304 of 1,205,023 alleles (0.025%); highest among the groups gnomAD compares: Non-Finnish European, 0.033%; no homozygotes.

Submission:

CeGaT Center for Human Genetics Tuebingen
Classification: Likely benign. Last evaluated: 2022-05-01. Review status: criteria provided, single submitter. Criteria: CeGaT Center For Human Genetics Tuebingen Variant Classification Criteria Version 2. Collection method: clinical testing. Allele origin: germline. Affected: yes. Observed: 1 variant allele.
Comment: CXCR3: BP4, BP7

NM_001504.2(CXCR3):c.573G>A (p.Ser191=)

Gene: CXCR3 (C-X-C motif chemokine receptor 3; minus strand). Cytogenetic location: Xq13.1.
Variant type: single nucleotide variant.
Coding change: c.573G>A on transcript NM_001504.2 (MANE Select); coding-DNA position 573, G replaced by A.
Protein change: p.Ser191=; no amino-acid change (serine 191 retained).
Molecular consequence: synonymous variant.
Genome position (GRCh38, 1-based): chrX:71,616,899, C>T on the plus strand (G>A on the coding strand, the complement: CXCR3 is on the minus strand). VCF-style: chrX-71616899-C-T. GRCh37 (hg19) VCF-style: chrX-70836749-C-T.
Other names: c.714G>A, p.Ser238= (NM_001142797.2).
Identifiers: ClinVar variation 2660890 (VCV002660890.24), dbSNP rs148752439, ClinGen allele CA10448434.